The following is an entry in ClinVar:

ClinVar aggregate classification (germline): Uncertain significance (1 of 4 stars; one submission).

Conditions:
Werner syndrome (WRN). Identifiers: Orphanet 902, MedGen C0043119, MONDO:0010196, OMIM 277700.

Submission:

Labcorp Genetics (formerly Invitae), Labcorp
Classification: Uncertain significance for Werner syndrome. Last evaluated: 2024-08-01. Review status: criteria provided, single submitter. Criteria: Invitae Variant Classification Sherloc (09022015). Collection method: clinical testing. Allele origin: germline.
Comment: This sequence change replaces glutamic acid, which is acidic and polar, with glycine, which is neutral and non-polar, at codon 306 of the WRN protein (p.Glu306Gly). This variant is not present in population databases (gnomAD no frequency). This variant has not been reported in the literature in individuals affected with WRN-related conditions. An algorithm developed to predict the effect of missense changes on protein structure and function (PolyPhen-2) suggests that this variant is likely to be tolerated. In summary, the available evidence is currently insufficient to determine the role of this variant in disease. Therefore, it has been classified as a Variant of Uncertain Significance.

NM_000553.6(WRN):c.917A>G (p.Glu306Gly)

Gene: WRN (WRN RecQ like helicase; plus strand). Cytogenetic location: 8p12.
Variant type: single nucleotide variant.
Coding change: c.917A>G on transcript NM_000553.6 (MANE Select); coding-DNA position 917, A replaced by G.
Protein change: p.Glu306Gly; replaces glutamic acid 306 with glycine.
Molecular consequence: missense variant.
Genome position (GRCh38, 1-based): chr8:31,080,944, A>G. VCF-style: chr8-31080944-A-G. GRCh37 (hg19) VCF-style: chr8-30938460-A-G.
Other names: short protein forms E306G.
Identifiers: ClinVar variation 3673464 (VCV003673464.2).